The following is an entry in ClinVar:

NM_023068.4(SIGLEC1):c.3442C>T (p.Arg1148Cys)

Gene: SIGLEC1 (sialic acid binding Ig like lectin 1; minus strand). Cytogenetic location: 20p13.
Variant type: single nucleotide variant.
Coding change: c.3442C>T on transcript NM_023068.4 (MANE Select); coding-DNA position 3442, C replaced by T.
Protein change: p.Arg1148Cys; replaces arginine 1148 with cysteine.
Molecular consequence: missense variant.
Genome position (GRCh38, 1-based): chr20:3,693,513, G>A on the plus strand (C>T on the coding strand, the complement: SIGLEC1 is on the minus strand). VCF-style: chr20-3693513-G-A. GRCh37 (hg19) VCF-style: chr20-3674160-G-A.
Other names: c.3442C>T, p.Arg1148Cys (NM_001367089.1); c.3442C>T (NM_023068.3); short protein forms R1148C.
Identifiers: ClinVar variation 2652183 (VCV002652183.25), dbSNP rs759278527, ClinGen allele CA9746463.

ClinVar aggregate classification (germline): Conflicting classifications of pathogenicity. Review status: criteria provided, conflicting classifications (1 of 4 stars). 2 submissions from 2 submitters: Uncertain significance (1); Likely benign (1). Last evaluated 2024-12-24.

Allele frequency attached by ClinVar (database versions not stated): ExAC 0.00003; gnomAD exomes 0.00004; gnomAD 0.00006.

Submissions (2):

Ambry Genetics
Classification: Uncertain significance. Last evaluated: 2024-12-24. Review status: criteria provided, single submitter. Criteria: Ambry Variant Classification Scheme 2023. Collection method: clinical testing. Allele origin: germline.

CeGaT Center for Human Genetics Tuebingen
Classification: Likely benign. Last evaluated: 2022-04-01. Review status: criteria provided, single submitter. Criteria: CeGaT Center For Human Genetics Tuebingen Variant Classification Criteria Version 2. Collection method: clinical testing. Allele origin: germline. Affected: yes. Observed: 1 variant allele.
Comment: SIGLEC1: BP4